The following is an entry in ClinVar:

NM_152701.5(ABCA13):c.4738A>C (p.Ile1580Leu)

Gene: ABCA13 (ATP binding cassette subfamily A member 13; plus strand). Cytogenetic location: 7p12.3.
Variant type: single nucleotide variant.
Coding change: c.4738A>C on transcript NM_152701.5 (MANE Select); coding-DNA position 4738, A replaced by C.
Protein change: p.Ile1580Leu; replaces isoleucine 1580 with leucine.
Molecular consequence: missense variant.
Genome position (GRCh38, 1-based): chr7:48,274,404, A>C. VCF-style: chr7-48274404-A-C. GRCh37 (hg19) VCF-style: chr7-48314001-A-C.
Other names: short protein forms I1580L.
Identifiers: ClinVar variation 2657471 (VCV002657471.24), dbSNP rs544802648, ClinGen allele CA367505478.

ClinVar aggregate classification (germline): Uncertain significance (1 of 4 stars; one submission).

Submission:

CeGaT Center for Human Genetics Tuebingen
Classification: Uncertain significance. Last evaluated: 2023-04-01. Review status: criteria provided, single submitter. Criteria: CeGaT Center For Human Genetics Tuebingen Variant Classification Criteria Version 2. Collection method: clinical testing. Allele origin: germline. Affected: yes. Observed: 1 variant allele.
Comment: ABCA13: PM2, BP4